The following is an entry in ClinVar:

ClinVar aggregate classification (germline): Uncertain significance. Review status: criteria provided, multiple submitters, no conflicts (2 of 4 stars). 2 submissions from 2 submitters: Uncertain significance (2). Last evaluated 2025-11-04.

Conditions:
Megalencephaly-polymicrogyria-postaxial polydactyly-hydrocephalus syndrome. Also called: MEG-PMG-MEGACC SYNDROME; MPPH Syndrome. Identifiers: Orphanet 83473, MedGen C1863924, MONDO:0019375.
Inborn genetic diseases. Identifiers: MedGen C0950123, MeSH D030342.

Allele frequency attached by ClinVar (database versions not stated): gnomAD exomes 0.00001; gnomAD 0.00002; TOPMed 0.00002; ExAC 0.00019.
gnomAD v4.1: 21 of 1,559,246 alleles (0.0013%); highest among the groups gnomAD compares: African/African-American, 0.0027%; 1 homozygote.

Submissions (2):

Labcorp Genetics (formerly Invitae), Labcorp
Classification: Uncertain significance for Megalencephaly-polymicrogyria-postaxial polydactyly-hydrocephalus syndrome. Last evaluated: 2025-11-04. Review status: criteria provided, single submitter. Criteria: Invitae Variant Classification Sherloc (09022015). Collection method: clinical testing. Allele origin: germline.
Comment: This sequence change replaces alanine, which is neutral and non-polar, with valine, which is neutral and non-polar, at codon 40 of the PIK3R2 protein (p.Ala40Val). The frequency data for this variant in the population databases is considered unreliable, as metrics indicate poor data quality at this position in the gnomAD database. This variant has not been reported in the literature in individuals affected with PIK3R2-related conditions. ClinVar contains an entry for this variant (Variation ID: 2137569). Invitae Evidence Modeling of protein sequence and biophysical properties (such as structural, functional, and spatial information, amino acid conservation, physicochemical variation, residue mobility, and thermodynamic stability) indicates that this missense variant is not expected to disrupt PIK3R2 protein function with a negative predictive value of 95%. In summary, the available evidence is currently insufficient to determine the role of this variant in disease. Therefore, it has been classified as a Variant of Uncertain Significance.

Ambry Genetics
Classification: Uncertain significance for Inborn genetic diseases. Last evaluated: 2025-08-28. Review status: criteria provided, single submitter. Criteria: Ambry Variant Classification Scheme 2023. Collection method: clinical testing. Allele origin: germline.

NM_005027.4(PIK3R2):c.119C>T (p.Ala40Val)

Gene: PIK3R2 (phosphoinositide-3-kinase regulatory subunit 2; plus strand). Cytogenetic location: 19p13.11.
Variant type: single nucleotide variant.
Coding change: c.119C>T on transcript NM_005027.4 (MANE Select); coding-DNA position 119, C replaced by T.
Protein change: p.Ala40Val; replaces alanine 40 with valine.
Molecular consequence: missense variant. On other transcripts: non-coding transcript variant (2).
Genome position (GRCh38, 1-based): chr19:18,155,998, C>T. VCF-style: chr19-18155998-C-T. GRCh37 (hg19) VCF-style: chr19-18266808-C-T.
Other names: c.119C>T (NM_005027.2); short protein forms A40V.
Identifiers: ClinVar variation 2137569 (VCV002137569.5), dbSNP rs750411325, ClinGen allele CA9306651.